The following is an entry in ClinVar:

ClinVar aggregate classification (germline): Benign (1 of 4 stars; one submission).

Allele frequency attached by ClinVar (database versions not stated): 1000 Genomes Project 30x 0.30762; TOPMed 0.39569; 1000 Genomes Project 0.29972.
gnomAD v4.1: 62,455 of 151,828 alleles (41%); highest among the groups gnomAD compares: Non-Finnish European, 49%; 13,594 homozygotes.

Submission:

GeneDx
Classification: Benign. Last evaluated: 2018-06-14. Review status: criteria provided, single submitter. Criteria: GeneDx Variant Classification (06012015). Collection method: clinical testing. Allele origin: germline. Affected: yes.
Comment: This variant is considered likely benign or benign based on one or more of the following criteria: it is a conservative change, it occurs at a poorly conserved position in the protein, it is predicted to be benign by multiple in silico algorithms, and/or has population frequency not consistent with disease.

NM_133259.4(LRPPRC):c.1488+335G>A

Gene: LRPPRC (leucine rich pentatricopeptide repeat containing; minus strand). Cytogenetic location: 2p21.
Variant type: single nucleotide variant.
Coding change: c.1488+335G>A on transcript NM_133259.4 (MANE Select); 335 bases into the intron after coding-DNA position 1488, G replaced by A.
Molecular consequence: intron variant.
Genome position (GRCh38, 1-based): chr2:43,963,253, C>T on the plus strand (G>A on the coding strand, the complement: LRPPRC is on the minus strand). VCF-style: chr2-43963253-C-T. GRCh37 (hg19) VCF-style: chr2-44190392-C-T.
Identifiers: ClinVar variation 684311 (VCV000684311.1), dbSNP rs6706737, ClinGen allele CA11010319.